The following is an entry in ClinVar:

ClinVar aggregate classification (germline): Conflicting classifications of pathogenicity. Review status: criteria provided, conflicting classifications (1 of 4 stars). 2 submissions from 2 submitters: Likely pathogenic (1); Uncertain significance (1). Last evaluated 2023-06-06.

Conditions:
Familial cancer of breast. Also called: BREAST CANCER, FAMILIAL; hereditary breast carcinoma; Hereditary breast cancer. Identifiers: Orphanet 227535, MedGen C0346153, MONDO:0016419, OMIM 114480. Disease mechanism: loss of function.

Submissions (2):

Labcorp Genetics (formerly Invitae), Labcorp
Classification: Uncertain significance for Familial cancer of breast. Last evaluated: 2023-06-06. Review status: criteria provided, single submitter. Criteria: Invitae Variant Classification Sherloc (09022015). Collection method: clinical testing. Allele origin: germline.
Comment: In summary, the available evidence is currently insufficient to determine the role of this variant in disease. Therefore, it has been classified as a Variant of Uncertain Significance. Advanced modeling of protein sequence and biophysical properties (such as structural, functional, and spatial information, amino acid conservation, physicochemical variation, residue mobility, and thermodynamic stability) performed at Invitae indicates that this missense variant is expected to disrupt PALB2 protein function. ClinVar contains an entry for this variant (Variation ID: 638155). This variant has not been reported in the literature in individuals affected with PALB2-related conditions. This variant is not present in population databases (gnomAD no frequency). This sequence change replaces valine, which is neutral and non-polar, with glycine, which is neutral and non-polar, at codon 923 of the PALB2 protein (p.Val923Gly).

Human Genetics Unit, University Of Colombo
Classification: Likely pathogenic for Familial cancer of breast. Last evaluated: 2019-07-24. Review status: criteria provided, single submitter. Criteria: ACMG Guidelines, 2015. Collection method: clinical testing. Allele origin: inherited. Inheritance: Autosomal dominant inheritance. Affected: yes. Observed: 1 heterozygote.
Comment: This mutation is not found in global population frequency databases or in our internal exome database. In silico analysis concluded this variant as disease-causing. According to ACMG criteria (2015), this variant can be classified as Likely pathogenic (II). Evidence: PS4, PM2, PP2, PP3, PP4, BP1

NM_024675.4(PALB2):c.2768T>G (p.Val923Gly)

Gene: PALB2 (partner and localizer of BRCA2; minus strand). Cytogenetic location: 16p12.2.
Variant type: single nucleotide variant.
Coding change: c.2768T>G on transcript NM_024675.4 (MANE Select); coding-DNA position 2768, T replaced by G.
Protein change: p.Val923Gly; replaces valine 923 with glycine.
Molecular consequence: missense variant.
Genome position (GRCh38, 1-based): chr16:23,624,075, A>C on the plus strand (T>G on the coding strand, the complement: PALB2 is on the minus strand). VCF-style: chr16-23624075-A-C. GRCh37 (hg19) VCF-style: chr16-23635396-A-C.
Other names: short protein forms V923G.
Identifiers: ClinVar variation 638155 (VCV000638155.12), dbSNP rs1597082876, ClinGen allele CA395145174.